The following is an entry in ClinVar:

NM_000186.4(CFH):c.249G>T (p.Arg83Ser)

Gene: CFH (complement factor H; plus strand). Cytogenetic location: 1q31.3.
Variant type: single nucleotide variant.
Coding change: c.249G>T on transcript NM_000186.4 (MANE Select); coding-DNA position 249, G replaced by T.
Protein change: p.Arg83Ser; replaces arginine 83 with serine.
Molecular consequence: missense variant.
Genome position (GRCh38, 1-based): chr1:196,673,861, G>T. VCF-style: chr1-196673861-G-T. GRCh37 (hg19) VCF-style: chr1-196642991-G-T.
Other names: c.249G>T, p.Arg83Ser (NM_001014975.3); short protein forms R83S.
Identifiers: ClinVar variation 4291551 (VCV004291551.2).

ClinVar aggregate classification (germline): Likely pathogenic (1 of 4 stars; one submission).

Conditions:
Factor H deficiency (CFHD). Also called: COMPLEMENT FACTOR H DEFICIENCY; CFH DEFICIENCY. Identifiers: Orphanet 200421, MedGen C0398777, MONDO:0012350, OMIM 609814.

Submission:

Genomenon, Inc
Classification: Likely pathogenic for Factor H deficiency. Last evaluated: 2026-09-17. Review status: criteria provided, single submitter. Criteria: Genomenon Sequence Variant Interpretation Standards - Updated. Collection method: curation. Allele origin: germline. Affected: yes.
Comment: CFH p.Arg83Ser (c.249G>T) is a missense variant that changes the amino acid at codon 83 from arginine to serine. This variant has been observed in at least one proband affected with complement factor H deficiency (PMID: 24722444). The variant was found to segregate with disease in at least one affected family (PMID: 24722444). At least one functional study has demonstrated a substantial alteration in protein function relative to the wild-type (PMID: 36643920; 24722444). It is absent or not present at a significant frequency in gnomAD. In conclusion, we classify CFH p.Arg83Ser (c.249G>T) as a likely pathogenic variant.

Literature cited by the submitters: PubMed 24722444; PubMed 36643920.